The following is an entry in ClinVar:

NM_012156.2(EPB41L1):c.111C>T (p.His37=)

Gene: EPB41L1 (erythrocyte membrane protein band 4.1 like 1; plus strand). Cytogenetic location: 20q11.23.
Variant type: single nucleotide variant.
Coding change: c.111C>T on transcript NM_012156.2 (MANE Select); coding-DNA position 111, C replaced by T.
Protein change: p.His37=; no amino-acid change (histidine 37 retained).
Molecular consequence: synonymous variant. On other transcripts: intron variant (3).
Genome position (GRCh38, 1-based): chr20:36,173,888, C>T. VCF-style: chr20-36173888-C-T. GRCh37 (hg19) VCF-style: chr20-34761810-C-T.
Other names: c.111C>T, p.His37= (NM_001258329.1); c.-9-1663C>T (NM_001258331.2, NM_177996.2); c.85-1663C>T (NM_001258330.1).
Identifiers: ClinVar variation 736255 (VCV000736255.32), dbSNP rs140731421, ClinGen allele CA9839504.

ClinVar aggregate classification (germline): Benign/Likely benign. Review status: criteria provided, multiple submitters, no conflicts (2 of 4 stars). 3 submissions from 3 submitters: Benign (2); Likely benign (1). Last evaluated 2022-03-01.

Allele frequency attached by ClinVar (database versions not stated): 1000 Genomes Project 30x 0.00016; 1000 Genomes Project 0.00020; gnomAD exomes 0.00088 and 0.00167; ExAC 0.00091; TOPMed 0.00093; gnomAD 0.00095 and 0.00100; ESP Exome Variant Server 0.00169.
gnomAD v4.1: 2,709 of 1,613,974 alleles (0.17%); highest among the groups gnomAD compares: Non-Finnish European, 0.21%; 6 homozygotes.

Submissions (3):

CeGaT Center for Human Genetics Tuebingen
Classification: Benign. Last evaluated: 2022-03-01. Review status: criteria provided, single submitter. Criteria: CeGaT Center For Human Genetics Tuebingen Variant Classification Criteria Version 2. Collection method: clinical testing. Allele origin: germline. Affected: yes. Observed: 1 variant allele.
Comment: EPB41L1: BS1, BS2

Labcorp Genetics (formerly Invitae), Labcorp
Classification: Likely benign. Last evaluated: 2019-12-31. Review status: criteria provided, single submitter. Criteria: Invitae Variant Classification Sherloc (09022015). Collection method: clinical testing. Allele origin: germline.

Genetic Services Laboratory, University of Chicago
Classification: Benign. Last evaluated: 2017-12-18. Review status: criteria provided, single submitter. Criteria: ACMG Guidelines, 2015. Collection method: clinical testing. Allele origin: germline. Affected: no.